The following is an entry in ClinVar:

NM_000094.4(COL7A1):c.8266C>T (p.Pro2756Ser)

Gene: COL7A1 (collagen type VII alpha 1 chain; minus strand). Cytogenetic location: 3p21.31.
Variant type: single nucleotide variant.
Coding change: c.8266C>T on transcript NM_000094.4 (MANE Select); coding-DNA position 8266, C replaced by T.
Protein change: p.Pro2756Ser; replaces proline 2756 with serine.
Molecular consequence: missense variant.
Genome position (GRCh38, 1-based): chr3:48,566,698, G>A on the plus strand (C>T on the coding strand, the complement: COL7A1 is on the minus strand). VCF-style: chr3-48566698-G-A. GRCh37 (hg19) VCF-style: chr3-48604131-G-A.
Other names: short protein forms P2756S.
Identifiers: ClinVar variation 391719 (VCV000391719.2), dbSNP rs755546809, ClinGen allele CA2378101.

ClinVar aggregate classification (germline): Uncertain significance (1 of 4 stars; one submission).

Allele frequency attached by ClinVar (database versions not stated): gnomAD exomes below 0.00001; ExAC 0.00001.
gnomAD v4.1: 1 of 1,614,012 alleles (0.000062%); highest among the groups gnomAD compares: Non-Finnish European, 0.000085%; no homozygotes.

Submission:

GeneDx
Classification: Uncertain significance. Last evaluated: 2016-12-29. Review status: criteria provided, single submitter. Criteria: GeneDx Variant Classification (06012015). Collection method: clinical testing. Allele origin: germline. Affected: yes.
Comment: The P2756S variant in the COL7A1 gene has not been reported previously as a pathogenic variant, nor as a benign variant, to our knowledge. The P2756S variant was not observed in approximately 6500 individuals of European and African American ancestry in the NHLBI Exome Sequencing Project, indicating it is not a common benign variant in these populations. The P2756S variant is a non-conservative amino acid substitution, which is likely to impact secondary protein structure as these residues differ in polarity, charge, size and/or other properties. However, this substitution occurs at a position that is not conserved, and in silico analysis is inconsistent in its predictions as to whether or not the variant is damaging to the protein structure/function. Therefore, we interpret P2756S as a variant of uncertain significance.